The following is an entry in ClinVar:

NM_020754.4(ARHGAP31):c.481A>T (p.Ser161Cys)

Gene: ARHGAP31 (Rho GTPase activating protein 31; plus strand). Cytogenetic location: 3q13.33.
Variant type: single nucleotide variant.
Coding change: c.481A>T on transcript NM_020754.4 (MANE Select); coding-DNA position 481, A replaced by T.
Protein change: p.Ser161Cys; replaces serine 161 with cysteine.
Molecular consequence: missense variant.
Genome position (GRCh38, 1-based): chr3:119,382,341, A>T. VCF-style: chr3-119382341-A-T. GRCh37 (hg19) VCF-style: chr3-119101188-A-T.
Other names: c.481A>T (NM_020754.2); short protein forms S161C.
Identifiers: ClinVar variation 3622414 (VCV003622414.3).
Genomic context (GRCh38, chr3:119,382,341, plus strand): 5'-AACCATTCTAGGACCTTGGAATACCTGATTCGACACCTGGCCCATATCGCCTCCTTCAGC[A>T]GCAAGACCAACATGCACGCCCGGAACCTGGCCCTGGTGTGGGCGCCAAACCTCCTCAGGT-3'
Protein context (NP_065805.2, residues 151-171): RHLAHIASFS[Ser161Cys]KTNMHARNLA

ClinVar aggregate classification (germline): Uncertain significance. Review status: criteria provided, multiple submitters, no conflicts (2 of 4 stars). 2 submissions from 2 submitters: Uncertain significance (2). Last evaluated 2025-08-24.

Conditions:
Inborn genetic diseases. Identifiers: MedGen C0950123, MeSH D030342.

gnomAD v4.1: 4 of 1,614,188 alleles (0.00025%); highest among the groups gnomAD compares: Middle Eastern, 0.049%; no homozygotes.

Submissions (2):

Ambry Genetics
Classification: Uncertain significance for Inborn genetic diseases. Last evaluated: 2025-08-24. Review status: criteria provided, single submitter. Criteria: Ambry Variant Classification Scheme 2023. Collection method: clinical testing. Allele origin: germline.

Labcorp Genetics (formerly Invitae), Labcorp
Classification: Uncertain significance. Last evaluated: 2024-02-24. Review status: criteria provided, single submitter. Criteria: Invitae Variant Classification Sherloc (09022015). Collection method: clinical testing. Allele origin: germline.
Comment: This sequence change replaces serine, which is neutral and polar, with cysteine, which is neutral and slightly polar, at codon 161 of the ARHGAP31 protein (p.Ser161Cys). This variant is not present in population databases (gnomAD no frequency). This variant has not been reported in the literature in individuals affected with ARHGAP31-related conditions. An algorithm developed to predict the effect of missense changes on protein structure and function (PolyPhen-2) suggests that this variant is likely to be disruptive. In summary, the available evidence is currently insufficient to determine the role of this variant in disease. Therefore, it has been classified as a Variant of Uncertain Significance.